The following is an entry in ClinVar:

NM_012213.3(MLYCD):c.1380G>C (p.Glu460Asp)

Gene: MLYCD (malonyl-CoA decarboxylase; plus strand). Cytogenetic location: 16q23.3.
Variant type: single nucleotide variant.
Coding change: c.1380G>C on transcript NM_012213.3 (MANE Select); coding-DNA position 1380, G replaced by C.
Protein change: p.Glu460Asp; replaces glutamic acid 460 with aspartic acid.
Molecular consequence: missense variant.
Genome position (GRCh38, 1-based): chr16:83,915,387, G>C. VCF-style: chr16-83915387-G-C. GRCh37 (hg19) VCF-style: chr16-83948992-G-C.
Other names: short protein forms E460D.
Identifiers: ClinVar variation 1473464 (VCV001473464.4), dbSNP rs2151060214, ClinGen allele CA396920606.

ClinVar aggregate classification (germline): Uncertain significance (1 of 4 stars; one submission).

Conditions:
Deficiency of malonyl-CoA decarboxylase. Also called: Malonic aciduria; MCD deficiency. Identifiers: Orphanet 943, MedGen C0342793, MONDO:0009556, OMIM 248360.

Submission:

Labcorp Genetics (formerly Invitae), Labcorp
Classification: Uncertain significance for Deficiency of malonyl-CoA decarboxylase. Last evaluated: 2024-07-22. Review status: criteria provided, single submitter. Criteria: Invitae Variant Classification Sherloc (09022015). Collection method: clinical testing. Allele origin: germline.
Comment: This sequence change replaces glutamic acid, which is acidic and polar, with aspartic acid, which is acidic and polar, at codon 460 of the MLYCD protein (p.Glu460Asp). This variant is not present in population databases (gnomAD no frequency). This variant has not been reported in the literature in individuals affected with MLYCD-related conditions. ClinVar contains an entry for this variant (Variation ID: 1473464). An algorithm developed to predict the effect of missense changes on protein structure and function outputs the following: PolyPhen-2: "Benign". The aspartic acid amino acid residue is found in multiple mammalian species, which suggests that this missense change does not adversely affect protein function. In summary, the available evidence is currently insufficient to determine the role of this variant in disease. Therefore, it has been classified as a Variant of Uncertain Significance.